The following is an entry in ClinVar:

ClinVar aggregate classification (germline): Uncertain significance. Review status: criteria provided, multiple submitters, no conflicts (2 of 4 stars). 3 submissions from 3 submitters: Uncertain significance (3). Last evaluated 2024-12-22.

Conditions:
Hereditary cancer-predisposing syndrome. Also called: Hereditary Cancer Syndrome; Hereditary neoplastic syndrome; Neoplastic Syndromes, Hereditary; Tumor predisposition. Identifiers: Orphanet 140162, MedGen C0027672, MeSH D009386, MONDO:0015356.
Multiple endocrine neoplasia, type 2 (MEN2). Identifiers: Orphanet 653, MedGen C4048306, MONDO:0019003. Disease mechanism: gain of function.

Allele frequency attached by ClinVar (database versions not stated): gnomAD 0.00001; TOPMed 0.00002; ESP Exome Variant Server 0.00008.

Submissions (3):

Ambry Genetics
Classification: Uncertain significance for Hereditary cancer-predisposing syndrome. Last evaluated: 2024-12-22. Review status: criteria provided, single submitter. Criteria: Ambry Variant Classification Scheme 2023. Collection method: clinical testing. Allele origin: germline.
Comment: The p.T538R variant (also known as c.1613C>G), located in coding exon 8 of the RET gene, results from a C to G substitution at nucleotide position 1613. The threonine at codon 538 is replaced by arginine, an amino acid with similar properties. This amino acid position is conserved. In addition, the in silico prediction for this alteration is inconclusive. Since supporting evidence is limited at this time, the clinical significance of this alteration remains unclear.

Labcorp Genetics (formerly Invitae), Labcorp
Classification: Uncertain significance for Multiple endocrine neoplasia, type 2. Last evaluated: 2024-10-02. Review status: criteria provided, single submitter. Criteria: Invitae Variant Classification Sherloc (09022015). Collection method: clinical testing. Allele origin: germline.
Comment: This sequence change replaces threonine, which is neutral and polar, with arginine, which is basic and polar, at codon 538 of the RET protein (p.Thr538Arg). This variant is not present in population databases (gnomAD no frequency). This variant has not been reported in the literature in individuals affected with RET-related conditions. ClinVar contains an entry for this variant (Variation ID: 1434991). An algorithm developed to predict the effect of missense changes on protein structure and function (PolyPhen-2) suggests that this variant is likely to be tolerated. In summary, the available evidence is currently insufficient to determine the role of this variant in disease. Therefore, it has been classified as a Variant of Uncertain Significance.

All of Us Research Program, National Institutes of Health
Classification: Uncertain significance for Multiple endocrine neoplasia, type 2. Last evaluated: 2024-06-09. Review status: criteria provided, single submitter. Criteria: ACMG Guidelines, 2015. Collection method: clinical testing. Allele origin: germline. Inheritance: Autosomal dominant inheritance. Observed: 1 variant allele, 1 heterozygote.
Comment: This missense variant replaces threonine with arginine at codon 538 of the RET protein. Computational prediction suggests that this variant may not impact protein structure and function (internally defined REVEL score threshold <= 0.5, PMID: 27666373). To our knowledge, functional studies have not been reported for this variant. This variant has not been reported in individuals affected with RET-related disorders in the literature. This variant has not been identified in the general population by the Genome Aggregation Database (gnomAD). The available evidence is insufficient to determine the role of this variant in disease conclusively. Therefore, this variant is classified as a Variant of Uncertain Significance.

This study involves interpretation of variants in research participants for the purpose of population health screening. Participant phenotype was not available at the time of variant classification. Additional details can be found in publication PMID: 35346344, PMCID: PMC8962531

NM_020975.6(RET):c.1613C>G (p.Thr538Arg)

Gene: RET (ret proto-oncogene; plus strand). Cytogenetic location: 10q11.21.
Variant type: single nucleotide variant.
Coding change: c.1613C>G on transcript NM_020975.6 (MANE Select); coding-DNA position 1613, C replaced by G.
Protein change: p.Thr538Arg; replaces threonine 538 with arginine.
Molecular consequence: missense variant.
Genome position (GRCh38, 1-based): chr10:43,112,189, C>G. VCF-style: chr10-43112189-C-G. GRCh37 (hg19) VCF-style: chr10-43607637-C-G.
Other names: c.1613C>G, p.Thr538Arg (NM_000323.2, NM_001406743.1, NM_001406744.1 and 6 more transcripts); c.851C>G, p.Thr284Arg (NM_001355216.2); c.1484C>G, p.Thr495Arg (NM_001406761.1, NM_001406762.1, NM_001406764.1 and 1 more transcripts); c.1325C>G, p.Thr442Arg (NM_001406766.1, NM_001406767.1, NM_001406770.1); c.1217C>G, p.Thr406Arg (NM_001406769.1, NM_001406772.1); c.1175C>G, p.Thr392Arg (NM_001406771.1, NM_001406773.1); c.1088C>G, p.Thr363Arg (NM_001406774.1); c.887C>G, p.Thr296Arg (NM_001406775.1, NM_001406776.1, NM_001406777.1 and 1 more transcripts); and 5 more; short protein forms T284R, T538R, T392R, T442R, T143R, T406R, T495R, T296R.
Identifiers: ClinVar variation 1434991 (VCV001434991.13), dbSNP rs148406803, ClinGen allele CA206261796.